The following is an entry in ClinVar:

NC_000005.10:g.112707442C>A

Gene: APC (APC regulator of Wnt signaling pathway; plus strand). Cytogenetic location: 5q22.2.
Variant type: single nucleotide variant.
Genome position: GRCh38 VCF-style: chr5-112707442-C-A. GRCh37 (hg19) VCF-style: chr5-112043139-C-A.
Identifiers: ClinVar variation 469874 (VCV000469874.9), dbSNP rs1313658633, ClinGen allele CA561890095.

ClinVar aggregate classification (germline): Uncertain significance (1 of 4 stars; one submission).

Conditions:
Familial adenomatous polyposis 1 (FAP1). Also called: FAMILIAL ADENOMATOUS POLYPOSIS 1, ATTENUATED; POLYPOSIS, ADENOMATOUS INTESTINAL. Identifiers: MedGen C2713442, MONDO:0021056, OMIM 175100. Disease mechanism: loss of function.

Allele frequency attached by ClinVar (database versions not stated): gnomAD 0.00001; gnomAD exomes 0.00001; TOPMed below 0.00001.

Submission:

Labcorp Genetics (formerly Invitae), Labcorp
Classification: Uncertain significance for Familial adenomatous polyposis 1. Last evaluated: 2025-11-05. Review status: criteria provided, single submitter. Criteria: Invitae Variant Classification Sherloc (09022015). Collection method: clinical testing. Allele origin: germline.
Comment: This variant occurs in a non-coding region of the APC gene. It does not change the encoded amino acid sequence of the APC protein. This variant is present in population databases (no rsID available, gnomAD 0.01%). This variant has not been reported in the literature in individuals affected with APC-related conditions. ClinVar contains an entry for this variant (Variation ID: 469874). Experimental studies and prediction algorithms are not available or were not evaluated, and the functional significance of this variant is currently unknown. In summary, the available evidence is currently insufficient to determine the role of this variant in disease. Therefore, it has been classified as a Variant of Uncertain Significance.